The following is an entry in ClinVar:

ClinVar aggregate classification (germline): Uncertain significance (1 of 4 stars; one submission).

gnomAD v4.1: 31 of 1,613,760 alleles (0.0019%); highest among the groups gnomAD compares: African/African-American, 0.0027%; no homozygotes.

Submission:

Labcorp Genetics (formerly Invitae), Labcorp
Classification: Uncertain significance. Last evaluated: 2024-06-21. Review status: criteria provided, single submitter. Criteria: Invitae Variant Classification Sherloc (09022015). Collection method: clinical testing. Allele origin: germline.
Comment: This sequence change replaces glycine, which is neutral and non-polar, with arginine, which is basic and polar, at codon 296 of the LAMB1 protein (p.Gly296Arg). This variant is present in population databases (rs35802141, gnomAD 0.0009%). This variant has not been reported in the literature in individuals affected with LAMB1-related conditions. An algorithm developed to predict the effect of missense changes on protein structure and function (PolyPhen-2) suggests that this variant is likely to be disruptive. In summary, the available evidence is currently insufficient to determine the role of this variant in disease. Therefore, it has been classified as a Variant of Uncertain Significance.

NM_002291.3(LAMB1):c.886G>A (p.Gly296Arg)

Gene: LAMB1 (laminin subunit beta 1; minus strand). Cytogenetic location: 7q31.1.
Variant type: single nucleotide variant.
Coding change: c.886G>A on transcript NM_002291.3 (MANE Select); coding-DNA position 886, G replaced by A.
Protein change: p.Gly296Arg; replaces glycine 296 with arginine.
Molecular consequence: missense variant.
Genome position (GRCh38, 1-based): chr7:107,978,161, C>T on the plus strand (G>A on the coding strand, the complement: LAMB1 is on the minus strand). VCF-style: chr7-107978161-C-T. GRCh37 (hg19) VCF-style: chr7-107618606-C-T.
Other names: short protein forms G296R.
Identifiers: ClinVar variation 3697917 (VCV003697917.2).